The following is an entry in ClinVar:

ClinVar aggregate classification (germline): Uncertain significance (1 of 4 stars; one submission).

gnomAD v4.1: 1 of 1,321,878 alleles (0.000076%); highest among the groups gnomAD compares: South Asian, 0.0021%; no homozygotes.

Submission:

GeneDx
Classification: Uncertain significance. Last evaluated: 2024-01-29. Review status: criteria provided, single submitter. Criteria: GeneDx Variant Classification Process June 2021. Collection method: clinical testing. Allele origin: germline. Affected: yes.
Comment: Not observed at significant frequency in large population cohorts (gnomAD); In silico analysis supports that this missense variant does not alter protein structure/function; Has not been previously published as pathogenic or benign to our knowledge

NM_006015.6(ARID1A):c.283G>A (p.Gly95Ser)

Gene: ARID1A (AT-rich interaction domain 1A; plus strand). Cytogenetic location: 1p36.11.
Variant type: single nucleotide variant.
Coding change: c.283G>A on transcript NM_006015.6 (MANE Select); coding-DNA position 283, G replaced by A.
Protein change: p.Gly95Ser; replaces glycine 95 with serine.
Molecular consequence: missense variant.
Genome position (GRCh38, 1-based): chr1:26,696,686, G>A. VCF-style: chr1-26696686-G-A. GRCh37 (hg19) VCF-style: chr1-27023177-G-A.
Other names: c.283G>A, p.Gly95Ser (NM_139135.4); short protein forms G95S.
Identifiers: ClinVar variation 3368390 (VCV003368390.1).
Genomic context (GRCh38, chr1:26,696,686, plus strand): 5'-GACGGGGCCGAGAGCAATGGGGGTGGCGGCGGCGGCGGAGCCGGCAGCGGCGGCGGGCCC[G>A]GCGCGGAGCCGGACCTGAAGAACTCGAACGGGAACGCGGGCCCTAGGCCCGCCCTGAACA-3'
Protein context (NP_006006.3, residues 85-105): GGGAGSGGGP[Gly95Ser]AEPDLKNSNG